The following is an entry in ClinVar:

ClinVar aggregate classification (germline): Uncertain significance. Review status: criteria provided, multiple submitters, no conflicts (2 of 4 stars). 2 submissions from 2 submitters: Uncertain significance (2). Last evaluated 2025-01-17.

Conditions:
Febrile seizures, familial, 11 (FEB11). Also called: CONVULSIONS, FAMILIAL FEBRILE, 11. Identifiers: MedGen C3280734, MONDO:0024566, OMIM 614418.

Allele frequency attached by ClinVar (database versions not stated): TOPMed 0.00001; gnomAD exomes 0.00003 and 0.00004; ExAC 0.00005.

Submissions (2):

Ambry Genetics
Classification: Uncertain significance. Last evaluated: 2025-01-17. Review status: criteria provided, single submitter. Criteria: Ambry Variant Classification Scheme 2023. Collection method: clinical testing. Allele origin: germline.

Labcorp Genetics (formerly Invitae), Labcorp
Classification: Uncertain significance for Febrile seizures, familial, 11. Last evaluated: 2018-09-12. Review status: criteria provided, single submitter. Criteria: Invitae Variant Classification Sherloc (09022015). Collection method: clinical testing. Allele origin: germline.
Comment: This sequence change replaces threonine with isoleucine at codon 340 of the CPA6 protein (p.Thr340Ile). The threonine residue is highly conserved and there is a moderate physicochemical difference between threonine and isoleucine. This variant is present in population databases (rs766388803, ExAC 0.04%). This variant has not been reported in the literature in individuals with CPA6-related disease. Algorithms developed to predict the effect of missense changes on protein structure and function are either unavailable or do not agree on the potential impact of this missense change (SIFT: "Deleterious"; PolyPhen-2: "Possibly Damaging"; Align-GVGD: "Class C15"). In summary, the available evidence is currently insufficient to determine the role of this variant in disease. Therefore, it has been classified as a Variant of Uncertain Significance.

NM_020361.5(CPA6):c.1019C>T (p.Thr340Ile)

Genes: ARFGEF1-DT (ARFGEF1 divergent transcript; plus strand), CPA6 (carboxypeptidase A6; minus strand). Cytogenetic location: 8q13.2.
Variant type: single nucleotide variant.
Coding change: c.1019C>T on transcript NM_020361.5 (MANE Select); coding-DNA position 1019, C replaced by T.
Protein change: p.Thr340Ile; replaces threonine 340 with isoleucine.
Molecular consequence: missense variant.
Genome position (GRCh38, 1-based): chr8:67,434,060, G>A on the plus strand (C>T on the coding strand, the complement: CPA6 is on the minus strand). VCF-style: chr8-67434060-G-A. GRCh37 (hg19) VCF-style: chr8-68346295-G-A.
Other names: short protein forms T340I.
Identifiers: ClinVar variation 640893 (VCV000640893.2), dbSNP rs766388803, ClinGen allele CA4772759.